The following is an entry in ClinVar:

NM_000257.4(MYH7):c.4453A>C (p.Lys1485Gln)

Genes: MHRT (myosin heavy chain associated RNA transcript; plus strand), MYH7 (myosin heavy chain 7; minus strand). Cytogenetic location: 14q11.2.
Variant type: single nucleotide variant.
Coding change: c.4453A>C on transcript NM_000257.4 (MANE Select); coding-DNA position 4453, A replaced by C.
Protein change: p.Lys1485Gln; replaces lysine 1485 with glutamine.
Molecular consequence: missense variant. On other transcripts: non-coding transcript variant (1).
Genome position (GRCh38, 1-based): chr14:23,417,219, T>G on the plus strand (A>C on the coding strand, the complement: MYH7 is on the minus strand). VCF-style: chr14-23417219-T-G. GRCh37 (hg19) VCF-style: chr14-23886428-T-G.
Other names: c.4453A>C, p.Lys1485Gln (NM_001407004.1); short protein forms K1485Q.
Identifiers: ClinVar variation 1953726 (VCV001953726.5), dbSNP rs1595074754, ClinGen allele CA389038383.

ClinVar aggregate classification (germline): Uncertain significance (1 of 4 stars; one submission).

Conditions:
Hypertrophic cardiomyopathy. Also called: HYPERTROPHIC MYOCARDIOPATHY. Identifiers: Orphanet 217569, MedGen C0007194, MeSH D002312, MONDO:0005045, HP:0001639.

Allele frequency attached by ClinVar (database versions not stated): gnomAD exomes below 0.00001.
gnomAD v4.1: 4 of 1,614,192 alleles (0.00025%); highest among the groups gnomAD compares: Non-Finnish European, 0.00034%; no homozygotes.

Submission:

Labcorp Genetics (formerly Invitae), Labcorp
Classification: Uncertain significance for Hypertrophic cardiomyopathy. Last evaluated: 2022-07-19. Review status: criteria provided, single submitter. Criteria: Invitae Variant Classification Sherloc (09022015). Collection method: clinical testing. Allele origin: germline.
Comment: In summary, the available evidence is currently insufficient to determine the role of this variant in disease. Therefore, it has been classified as a Variant of Uncertain Significance. Algorithms developed to predict the effect of missense changes on protein structure and function are either unavailable or do not agree on the potential impact of this missense change (SIFT: "Deleterious"; PolyPhen-2: "Probably Damaging"; Align-GVGD: "Class C0"). This variant has not been reported in the literature in individuals affected with MYH7-related conditions. This variant is not present in population databases (gnomAD no frequency). This sequence change replaces lysine, which is basic and polar, with glutamine, which is neutral and polar, at codon 1485 of the MYH7 protein (p.Lys1485Gln).